The following is an entry in ClinVar:

NM_007348.4(ATF6):c.1720-15_1720-9del

Gene: ATF6 (activating transcription factor 6; plus strand). Cytogenetic location: 1q23.3.
Variant type: Deletion.
Coding change: c.1720-15_1720-9del on transcript NM_007348.4 (MANE Select); 15 bases into the intron before coding-DNA position 1720 through 9 bases into the intron before coding-DNA position 1720, 7 bases deleted (CTTTGTT; older notation c.1720-15_1720-9delCTTTGTT).
Molecular consequence: intron variant.
Genome position (GRCh38, 1-based): chr1:161,912,281-161,912,287, CTTTGTT deleted; deleting any 7 consecutive bases within chr1:161,912,276-161,912,287 gives the same sequence; the c. name uses the placement nearest the transcript's 3' end. VCF-style (leftmost placement, unchanged base first): chr1-161912275-ATTGTTCT-A. GRCh37 (hg19) VCF-style: chr1-161882065-ATTGTTCT-A.
Identifiers: ClinVar variation 1356402 (VCV001356402.8), dbSNP rs780731927, ClinGen allele CA1214590.

ClinVar aggregate classification (germline): Uncertain significance (1 of 4 stars; one submission).

Submission:

Labcorp Genetics (formerly Invitae), Labcorp
Classification: Uncertain significance. Last evaluated: 2021-05-26. Review status: criteria provided, single submitter. Criteria: Invitae Variant Classification Sherloc (09022015). Collection method: clinical testing. Allele origin: germline.
Comment: This sequence change falls in intron 14 of the ATF6 gene. It does not directly change the encoded amino acid sequence of the ATF6 protein. This variant is present in population databases (rs780731927, ExAC 0.009%). This variant has not been reported in the literature in individuals with ATF6-related conditions. Algorithms developed to predict the effect of sequence changes on RNA splicing suggest that this variant may disrupt the consensus splice site, but this prediction has not been confirmed by published transcriptional studies. In summary, the available evidence is currently insufficient to determine the role of this variant in disease. Therefore, it has been classified as a Variant of Uncertain Significance.